The following is an entry in ClinVar:

ClinVar aggregate classification (germline): Uncertain significance. Review status: criteria provided, multiple submitters, no conflicts (2 of 4 stars). 2 submissions from 2 submitters: Uncertain significance (2). Last evaluated 2025-10-18.

Conditions:
Inborn genetic diseases. Identifiers: MedGen C0950123, MeSH D030342.

Allele frequency attached by ClinVar (database versions not stated): TOPMed below 0.00001; 1000 Genomes Project 30x 0.00016.

Submissions (2):

Ambry Genetics
Classification: Uncertain significance for Inborn genetic diseases. Last evaluated: 2025-10-18. Review status: criteria provided, single submitter. Criteria: Ambry Variant Classification Scheme 2023. Collection method: clinical testing. Allele origin: germline.

Labcorp Genetics (formerly Invitae), Labcorp
Classification: Uncertain significance. Last evaluated: 2022-06-15. Review status: criteria provided, single submitter. Criteria: Invitae Variant Classification Sherloc (09022015). Collection method: clinical testing. Allele origin: germline.
Comment: This sequence change replaces arginine, which is basic and polar, with glycine, which is neutral and non-polar, at codon 541 of the EIF2AK3 protein (p.Arg541Gly). This variant is not present in population databases (gnomAD no frequency). This variant has not been reported in the literature in individuals affected with EIF2AK3-related conditions. Algorithms developed to predict the effect of missense changes on protein structure and function (SIFT, PolyPhen-2, Align-GVGD) all suggest that this variant is likely to be tolerated. In summary, the available evidence is currently insufficient to determine the role of this variant in disease. Therefore, it has been classified as a Variant of Uncertain Significance.

NM_004836.7(EIF2AK3):c.1621C>G (p.Arg541Gly)

Gene: EIF2AK3 (eukaryotic translation initiation factor 2 alpha kinase 3; minus strand). Cytogenetic location: 2p11.2.
Variant type: single nucleotide variant.
Coding change: c.1621C>G on transcript NM_004836.7 (MANE Select); coding-DNA position 1621, C replaced by G.
Protein change: p.Arg541Gly; replaces arginine 541 with glycine.
Molecular consequence: missense variant.
Genome position (GRCh38, 1-based): chr2:88,585,870, G>C on the plus strand (C>G on the coding strand, the complement: EIF2AK3 is on the minus strand). VCF-style: chr2-88585870-G-C. GRCh37 (hg19) VCF-style: chr2-88885388-G-C.
Other names: c.1621C>G (NM_004836.5); c.1168C>G, p.Arg390Gly (NM_001313915.2); short protein forms R390G, R541G.
Identifiers: ClinVar variation 2184007 (VCV002184007.4), dbSNP rs1034289372, ClinGen allele CA347594274.
Genomic context (GRCh38, chr2:88,585,870, plus strand): 5'-AAACCAGACAGTAAGCAACCATGATTCTTACCCTGTGAGGATGAGGATGGAAAAGCCTGC[G>C]CACAATAAACGTTGTTGCTATGATACAAAACAAAATCGTTGCAACTATTTCTTTCCACCA-3'
Protein context (NP_004827.4, residues 531-551): FCIIATTFIV[Arg541Gly]RLFHPHPHRQ